The following is an entry in ClinVar:

NM_000257.4(MYH7):c.2191C>A (p.Pro731Thr)

Gene: MYH7 (myosin heavy chain 7; minus strand). Cytogenetic location: 14q11.2.
Variant type: single nucleotide variant.
Coding change: c.2191C>A on transcript NM_000257.4 (MANE Select); coding-DNA position 2191, C replaced by A.
Protein change: p.Pro731Thr; replaces proline 731 with threonine.
Molecular consequence: missense variant.
Genome position (GRCh38, 1-based): chr14:23,425,790, G>T on the plus strand (C>A on the coding strand, the complement: MYH7 is on the minus strand). VCF-style: chr14-23425790-G-T. GRCh37 (hg19) VCF-style: chr14-23894999-G-T.
Other names: short protein forms P731T.
Identifiers: ClinVar variation 377060 (VCV000377060.11), dbSNP rs727504299, ClinGen allele CA16603250.
Genomic context (GRCh38, chr14:23,425,790, plus strand): 5'-TGTCCAGGGAGCTGAGCAGCTTCTCTGCCCCCTTCCTGCTATCAATGAACTGTCCCTCAG[G>T]GATGGCCGCTGGGTTCAGGATGCGATACCTGAGGAGGGAAGTGTCCAGAGTCACCCATGC-3'
Protein context (NP_000248.2, residues 721-741): RYRILNPAAI[Pro731Thr]EGQFIDSRKG

ClinVar aggregate classification (germline): Likely pathogenic. Review status: criteria provided, multiple submitters, no conflicts (2 of 4 stars). 3 submissions from 3 submitters: Likely pathogenic (3). Last evaluated 2024-07-02.

Conditions:
MYH7-related disorder. Also called: MYH7-related disorders; MYH7-related condition; MYH7-related disease.
Hypertrophic cardiomyopathy. Also called: HYPERTROPHIC MYOCARDIOPATHY. Identifiers: Orphanet 217569, MedGen C0007194, MeSH D002312, MONDO:0005045, HP:0001639.

Submissions (3):

Blueprint Genetics
Classification: Likely pathogenic for MYH7-related disorders. Last evaluated: 2024-07-02. Review status: criteria provided, single submitter. Criteria: ACMG Guidelines, 2015. Collection method: clinical testing. Allele origin: germline. Affected: yes. Observed: 1 variant allele.

Labcorp Genetics (formerly Invitae), Labcorp
Classification: Likely pathogenic for Hypertrophic cardiomyopathy. Last evaluated: 2023-03-23. Review status: criteria provided, single submitter. Criteria: Invitae Variant Classification Sherloc (09022015). Collection method: clinical testing. Allele origin: germline.
Comment: ClinVar contains an entry for this variant (Variation ID: 377060). Advanced modeling of protein sequence and biophysical properties (such as structural, functional, and spatial information, amino acid conservation, physicochemical variation, residue mobility, and thermodynamic stability) performed at Invitae indicates that this missense variant is expected to disrupt MYH7 protein function. This variant disrupts the p.Pro731 amino acid residue in MYH7. Other variant(s) that disrupt this residue have been determined to be pathogenic (PMID: 23283745, 24093860, 25078086, 25327599). This suggests that this residue is clinically significant, and that variants that disrupt this residue are likely to be disease-causing. In summary, the currently available evidence indicates that the variant is pathogenic, but additional data are needed to prove that conclusively. Therefore, this variant has been classified as Likely Pathogenic. This variant has not been reported in the literature in individuals affected with MYH7-related conditions. This sequence change replaces proline, which is neutral and non-polar, with threonine, which is neutral and polar, at codon 731 of the MYH7 protein (p.Pro731Thr). This variant is not present in population databases (gnomAD no frequency).

Center for Pediatric Genomic Medicine, Children's Mercy Hospital and Clinics
Classification: Likely pathogenic. Last evaluated: 2016-11-03. Review status: criteria provided, single submitter. Criteria: ACMG Guidelines, 2015. Collection method: clinical testing. Allele origin: germline.

Literature cited by the submitters: PubMed 23283745 (cited by Labcorp Genetics (formerly Invitae), Labcorp); PubMed 24093860 (cited by Labcorp Genetics (formerly Invitae), Labcorp); PubMed 25078086 (cited by Labcorp Genetics (formerly Invitae), Labcorp); PubMed 25327599 (cited by Labcorp Genetics (formerly Invitae), Labcorp).